The following is an entry in ClinVar:

ClinVar aggregate classification (germline): Likely pathogenic (1 of 4 stars; one submission).

Conditions:
alpha Thalassemia. Also called: Alpha thalassemia spectrum. Identifiers: Orphanet 846, MedGen C0002312, MONDO:0011399, OMIM 604131.

Submission:

Natera, Inc.
Classification: Likely pathogenic for Alpha thalassemia. Last evaluated: 2025-07-14. Review status: criteria provided, single submitter. Criteria: Natera Variant Classification Schema (03/2026). Collection method: clinical testing. Allele origin: germline.
Comment: The c.202del variant in HBA2 is a frameshift variant predicted to shift the reading frame beginning at codon 68 and leads to a stop codon 17 codons downstream. This variant is expected to result in nonsense mediated decay, truncation, or a dysfunctional protein product. This variant is rare in the general population with a frequency below the threshold expected for the associated phenotype(s). Given the available evidence, this variant is classified as Likely Pathogenic.

NM_000517.6(HBA2):c.202del (p.Thr68fs)

Genes: HBA2 (hemoglobin subunit alpha 2; plus strand), LOC106804612 (hemoglobin subunit alpha 2 recombination region; plus strand). Cytogenetic location: 16p13.3.
Variant type: Deletion.
Coding change: c.202del on transcript NM_000517.6 (MANE Select); coding-DNA position 202, one base deleted (A; older notation c.202delA).
Protein change: p.Thr68fs; shifts the reading frame from threonine 68.
Molecular consequence: frameshift variant.
Genome position (GRCh38, 1-based): chr16:173,231, A deleted. VCF-style (leftmost placement, unchanged base first): chr16-173230-GA-G. GRCh37 (hg19) VCF-style: chr16-223229-GA-G.
Other names: short protein forms T68fs.
Identifiers: ClinVar variation 4818643 (VCV004818643.1).